The following is an entry in ClinVar:

NM_033026.6(PCLO):c.11514A>C (p.Glu3838Asp)

Gene: PCLO (piccolo presynaptic cytomatrix protein; minus strand). Cytogenetic location: 7q21.11.
Variant type: single nucleotide variant.
Coding change: c.11514A>C on transcript NM_033026.6 (MANE Select); coding-DNA position 11514, A replaced by C.
Protein change: p.Glu3838Asp; replaces glutamic acid 3838 with aspartic acid.
Molecular consequence: missense variant.
Genome position (GRCh38, 1-based): chr7:82,916,472, T>G on the plus strand (A>C on the coding strand, the complement: PCLO is on the minus strand). VCF-style: chr7-82916472-T-G. GRCh37 (hg19) VCF-style: chr7-82545788-T-G.
Other names: c.11514A>C, p.Glu3838Asp (NM_014510.3); short protein forms E3838D.
Identifiers: ClinVar variation 1356333 (VCV001356333.5), dbSNP rs556114676, ClinGen allele CA4319553.

ClinVar aggregate classification (germline): Uncertain significance (1 of 4 stars; one submission).

Allele frequency attached by ClinVar (database versions not stated): gnomAD exomes 0.00001; TOPMed 0.00001; ExAC 0.00002.
gnomAD v4.1: 7 of 1,613,764 alleles (0.00043%); highest among the groups gnomAD compares: Admixed American, 0.005%; no homozygotes.

Submission:

Labcorp Genetics (formerly Invitae), Labcorp
Classification: Uncertain significance. Last evaluated: 2022-09-23. Review status: criteria provided, single submitter. Criteria: Invitae Variant Classification Sherloc (09022015). Collection method: clinical testing. Allele origin: germline.
Comment: This sequence change replaces glutamic acid, which is acidic and polar, with aspartic acid, which is acidic and polar, at codon 3838 of the PCLO protein (p.Glu3838Asp). This variant is present in population databases (rs556114676, gnomAD 0.006%). This variant has not been reported in the literature in individuals affected with PCLO-related conditions. ClinVar contains an entry for this variant (Variation ID: 1356333). Algorithms developed to predict the effect of missense changes on protein structure and function are either unavailable or do not agree on the potential impact of this missense change (SIFT: "Deleterious"; PolyPhen-2: "Not Available"; Align-GVGD: "Class C0"). In summary, the available evidence is currently insufficient to determine the role of this variant in disease. Therefore, it has been classified as a Variant of Uncertain Significance.